The following is an entry in ClinVar:

NM_001184.4(ATR):c.7459A>G (p.Thr2487Ala)

Gene: ATR (ATR checkpoint kinase; minus strand). Cytogenetic location: 3q23.
Variant type: single nucleotide variant.
Coding change: c.7459A>G on transcript NM_001184.4 (MANE Select); coding-DNA position 7459, A replaced by G.
Protein change: p.Thr2487Ala; replaces threonine 2487 with alanine.
Molecular consequence: missense variant.
Genome position (GRCh38, 1-based): chr3:142,459,002, T>C on the plus strand (A>G on the coding strand, the complement: ATR is on the minus strand). VCF-style: chr3-142459002-T-C. GRCh37 (hg19) VCF-style: chr3-142177844-T-C.
Other names: c.7459A>G (NM_001184.3); c.7267A>G, p.Thr2423Ala (NM_001354579.2); short protein forms T2423A, T2487A.
Identifiers: ClinVar variation 2913677 (VCV002913677.4), dbSNP rs2108260059, ClinGen allele CA354795951.

ClinVar aggregate classification (germline): Uncertain significance. Review status: criteria provided, multiple submitters, no conflicts (2 of 4 stars). 2 submissions from 2 submitters: Uncertain significance (2). Last evaluated 2024-01-03.

Conditions:
Inborn genetic diseases. Identifiers: MedGen C0950123, MeSH D030342.

Submissions (2):

Ambry Genetics
Classification: Uncertain significance for Inborn genetic diseases. Last evaluated: 2024-01-03. Review status: criteria provided, single submitter. Criteria: Ambry Variant Classification Scheme 2023. Collection method: clinical testing. Allele origin: germline.
Comment: The p.T2487A variant (also known as c.7459A>G), located in coding exon 44 of the ATR gene, results from an A to G substitution at nucleotide position 7459. The threonine at codon 2487 is replaced by alanine, an amino acid with similar properties. This amino acid position is conserved. In addition, this alteration is predicted to be deleterious by in silico analysis. Since supporting evidence is limited at this time, the clinical significance of this alteration remains unclear.

Labcorp Genetics (formerly Invitae), Labcorp
Classification: Uncertain significance. Last evaluated: 2023-07-31. Review status: criteria provided, single submitter. Criteria: Invitae Variant Classification Sherloc (09022015). Collection method: clinical testing. Allele origin: germline.
Comment: This sequence change replaces threonine, which is neutral and polar, with alanine, which is neutral and non-polar, at codon 2487 of the ATR protein (p.Thr2487Ala). This variant is not present in population databases (gnomAD no frequency). This variant has not been reported in the literature in individuals affected with ATR-related conditions. An algorithm developed to predict the effect of missense changes on protein structure and function (PolyPhen-2) suggests that this variant is likely to be disruptive. In summary, the available evidence is currently insufficient to determine the role of this variant in disease. Therefore, it has been classified as a Variant of Uncertain Significance.